The following is an entry in ClinVar:

ClinVar aggregate classification (germline): Uncertain significance (1 of 4 stars; one submission).

Conditions:
Inborn genetic diseases. Identifiers: MedGen C0950123, MeSH D030342.

Submission:

Ambry Genetics
Classification: Uncertain significance for Inborn genetic diseases. Last evaluated: 2026-03-24. Review status: criteria provided, single submitter. Criteria: Ambry Variant Classification Scheme 2023. Collection method: clinical testing. Allele origin: germline.
Comment: The p.V266A variant (also known as c.797T>C), located in coding exon 1 of the SAMD9L gene, results from a T to C substitution at nucleotide position 797. The valine at codon 266 is replaced by alanine, an amino acid with similar properties. This amino acid position is conserved. In addition, this alteration is predicted to be tolerated by in silico analysis. Based on the available evidence, the clinical significance of this variant remains unclear.

NM_152703.5(SAMD9L):c.797T>C (p.Val266Ala)

Gene: SAMD9L (sterile alpha motif domain containing 9 like; minus strand). Cytogenetic location: 7q21.2.
Variant type: single nucleotide variant.
Coding change: c.797T>C on transcript NM_152703.5 (MANE Select); coding-DNA position 797, T replaced by C.
Protein change: p.Val266Ala; replaces valine 266 with alanine.
Molecular consequence: missense variant.
Genome position (GRCh38, 1-based): chr7:93,135,175, A>G on the plus strand (T>C on the coding strand, the complement: SAMD9L is on the minus strand). VCF-style: chr7-93135175-A-G. GRCh37 (hg19) VCF-style: chr7-92764488-A-G.
Other names: c.797T>C, p.Val266Ala (NM_001350083.2, NM_001350084.2, NM_001350085.2 and 5 more transcripts); short protein forms V266A.
Identifiers: ClinVar variation 4863913 (VCV004863913.1).